The following is an entry in ClinVar:

ClinVar aggregate classification (germline): Uncertain significance (0 of 4 stars; one submission).

Conditions:
Hearing impairment. Also called: Impaired Hearing. Identifiers: MedGen C1384666, MONDO:0005365, HP:0000365.

gnomAD v4.1: 9 of 152,018 alleles (0.0059%); highest among the groups gnomAD compares: South Asian, 0.021%; no homozygotes.

Submission:

Joint Genome Diagnostic Labs from Nijmegen and Maastricht, Radboudumc and MUMC+
Classification: Uncertain significance for hearing impairment. Review status: no assertion criteria provided. Collection method: clinical testing. Allele origin: germline. Affected: yes.

NM_206933.4(USH2A):c.4396+5913C>G

Gene: USH2A (usherin; minus strand). Cytogenetic location: 1q41.
Variant type: single nucleotide variant.
Coding change: c.4396+5913C>G on transcript NM_206933.4 (MANE Select); 5913 bases into the intron after coding-DNA position 4396, C replaced by G.
Molecular consequence: intron variant.
Genome position (GRCh38, 1-based): chr1:216,184,310, G>C on the plus strand (C>G on the coding strand, the complement: USH2A is on the minus strand). VCF-style: chr1-216184310-G-C. GRCh37 (hg19) VCF-style: chr1-216357652-G-C.
Other names: c.4396+5913C>G (NM_007123.6).
Identifiers: ClinVar variation 3338149 (VCV003338149.1).
Genomic context (GRCh38, chr1:216,184,310, plus strand): 5'-AGTGTTCTTGTCAAAGGTGAAGCAAATTCATTTCAGCTCGCCTCTGCAGCTCTTCGAAGA[G>C]GCTTTGATTTTTTTTCCCCACTTTCTTGGCAGCAGCCTCAGATTCATGAGTCCATACATC-3'